The following is an entry in ClinVar:

ClinVar aggregate classification (germline): Uncertain significance (1 of 4 stars; one submission).

Conditions:
Neurofibromatosis, type 1 (NF1). Also called: VON RECKLINGHAUSEN DISEASE; Peripheral type neurofibromatosis; Neurofibromatosis, type I; NEUROFIBROMATOSIS, TYPE I, SOMATIC. Identifiers: Orphanet 636, MedGen C0027831, MONDO:0018975, OMIM 162200. Disease mechanism: loss of function.

Submission:

Labcorp Genetics (formerly Invitae), Labcorp
Classification: Uncertain significance for Neurofibromatosis, type 1. Last evaluated: 2022-08-23. Review status: criteria provided, single submitter. Criteria: Invitae Variant Classification Sherloc (09022015). Collection method: clinical testing. Allele origin: germline.
Comment: In summary, the available evidence is currently insufficient to determine the role of this variant in disease. Therefore, it has been classified as a Variant of Uncertain Significance. Studies have shown that this variant is associated with altered splicing resulting in unknown protein product impact (Invitae). This variant has not been reported in the literature in individuals affected with NF1-related conditions. This variant is not present in population databases (gnomAD no frequency). This sequence change falls in intron 36 of the NF1 gene. It does not directly change the encoded amino acid sequence of the NF1 protein.

NM_001042492.3(NF1):c.5269-11C>G

Gene: NF1 (neurofibromin 1; plus strand). Cytogenetic location: 17q11.2.
Variant type: single nucleotide variant.
Coding change: c.5269-11C>G on transcript NM_001042492.3 (MANE Select); 11 bases into the intron before coding-DNA position 5269, C replaced by G.
Molecular consequence: intron variant.
Genome position (GRCh38, 1-based): chr17:31,327,488, C>G. VCF-style: chr17-31327488-C-G. GRCh37 (hg19) VCF-style: chr17-29654506-C-G.
Other names: c.5206-11C>G (NM_000267.4).
Identifiers: ClinVar variation 2014535 (VCV002014535.5), dbSNP rs2151540713, ClinGen allele CA2580093071.
Genomic context (GRCh38, chr17:31,327,488, plus strand): 5'-GGAGCCTTTTAGAATTTTATGTAAAAGAGTTTAATTCTTCTCCACTTCACCCCGTCACCA[C>G]CACTTTCCAGGTTGGTTCTACTGCTGTCCAAGTAACTTCAGCAGAGCGAACAAAAGTCCT-3'